The following is an entry in ClinVar:

NM_015158.5(KANK1):c.1508A>G (p.Lys503Arg)

Gene: KANK1 (KN motif and ankyrin repeat domains 1; plus strand). Cytogenetic location: 9p24.3.
Variant type: single nucleotide variant.
Coding change: c.1508A>G on transcript NM_015158.5 (MANE Select); coding-DNA position 1508, A replaced by G.
Protein change: p.Lys503Arg; replaces lysine 503 with arginine.
Molecular consequence: missense variant. On other transcripts: non-coding transcript variant (1).
Genome position (GRCh38, 1-based): chr9:712,274, A>G. VCF-style: chr9-712274-A-G. GRCh37 (hg19) VCF-style: chr9-712274-A-G.
Other names: c.1508A>G, p.Lys503Arg (NM_001256876.3, NM_001256877.3, NM_001354331.2 and 2 more transcripts); c.1034A>G, p.Lys345Arg (NM_001354333.2, NM_001354335.2, NM_001354336.2 and 9 more transcripts); short protein forms K503R, K345R.
Identifiers: ClinVar variation 2973726 (VCV002973726.3), dbSNP rs376130486, ClinGen allele CA4960239.

ClinVar aggregate classification (germline): Uncertain significance (1 of 4 stars; one submission).

Allele frequency attached by ClinVar (database versions not stated): gnomAD 0.00003; ESP Exome Variant Server 0.00008.
gnomAD v4.1: 15 of 1,614,108 alleles (0.00093%); highest among the groups gnomAD compares: African/African-American, 0.0067%; no homozygotes.

Submission:

Labcorp Genetics (formerly Invitae), Labcorp
Classification: Uncertain significance. Last evaluated: 2022-11-12. Review status: criteria provided, single submitter. Criteria: Invitae Variant Classification Sherloc (09022015). Collection method: clinical testing. Allele origin: germline.
Comment: In summary, the available evidence is currently insufficient to determine the role of this variant in disease. Therefore, it has been classified as a Variant of Uncertain Significance. Advanced modeling of protein sequence and biophysical properties (such as structural, functional, and spatial information, amino acid conservation, physicochemical variation, residue mobility, and thermodynamic stability) has been performed at Invitae for this missense variant, however the output from this modeling did not meet the statistical confidence thresholds required to predict the impact of this variant on KANK1 protein function. This variant has not been reported in the literature in individuals affected with KANK1-related conditions. This variant is present in population databases (rs376130486, gnomAD 0.007%). This sequence change replaces lysine, which is basic and polar, with arginine, which is basic and polar, at codon 503 of the KANK1 protein (p.Lys503Arg).